The following is an entry in ClinVar:

ClinVar aggregate classification (germline): Uncertain significance (1 of 4 stars; one submission).

Conditions:
Intellectual developmental disorder with hypotonia, impaired speech, and dysmorphic facies (IDDHISD). Identifiers: MedGen C5561997, MONDO:0859197, OMIM 619556.

Submission:

3billion
Classification: Uncertain significance for Intellectual developmental disorder with hypotonia, impaired speech, and dysmorphic facies. Last evaluated: 2024-07-30. Review status: criteria provided, single submitter. Criteria: ACMG Guidelines, 2015. Collection method: clinical testing. Allele origin: germline. Affected: yes.
Comment: The variant is not observed in the gnomAD v4.0.0 dataset. Predicted Consequence/Location: Missense changes are a common disease-causing mechanism. Damaging effect on gene or gene product predicted by in silico programs is uncertain [REVEL: 0.18 (damaging >=0.6, benign <0.4), 3Cnet: 0.48 (damaging >=0.6, benign <0.15)]. Therefore, this variant is classified as VUS according to the recommendation of ACMG/AMP guideline.

NM_001382241.1(TNPO2):c.1966G>C (p.Val656Leu)

Gene: TNPO2 (transportin 2; minus strand). Cytogenetic location: 19p13.13.
Variant type: single nucleotide variant.
Coding change: c.1966G>C on transcript NM_001382241.1 (MANE Select); coding-DNA position 1966, G replaced by C.
Protein change: p.Val656Leu; replaces valine 656 with leucine.
Molecular consequence: missense variant. On other transcripts: non-coding transcript variant (6).
Genome position (GRCh38, 1-based): chr19:12,705,296, C>G on the plus strand (G>C on the coding strand, the complement: TNPO2 is on the minus strand). VCF-style: chr19-12705296-C-G. GRCh37 (hg19) VCF-style: chr19-12816110-C-G.
Other names: c.1966G>C, p.Val656Leu (NM_001136195.2, NM_001136196.2, NM_001382236.1 and 7 more transcripts); short protein forms V656L.
Identifiers: ClinVar variation 4292811 (VCV004292811.1).